The following is an entry in ClinVar:

ClinVar aggregate classification (germline): Uncertain significance (1 of 4 stars; one submission).

Conditions:
Episodic ataxia type 2 (EA2). Also called: CEREBELLAR ATAXIA, PAROXYSMAL, ACETAZOLAMIDE-RESPONSIVE; CEREBELLOPATHY, HEREDITARY PAROXYSMAL; EPISODIC ATAXIA, NYSTAGMUS-ASSOCIATED; ACETAZOLAMIDE-RESPONSIVE HEREDITARY PAROXYSMAL CEREBELLAR ATAXIA; ATAXIA, EPISODIC, WITH NYSTAGMUS; ATAXIA, FAMILIAL PAROXYSMAL. Identifiers: Orphanet 97, MedGen C1720416, MONDO:0007163, OMIM 108500.
Developmental and epileptic encephalopathy, 42 (DEE42A). Also called: Epileptic encephalopathy, early infantile, 42; DEVELOPMENTAL AND EPILEPTIC ENCEPHALOPATHY 42A; EPILEPTIC ENCEPHALOPATHY, EARLY INFANTILE, 42A. Identifiers: MedGen C4310716, MONDO:0014917, OMIM 617106.

Allele frequency attached by ClinVar (database versions not stated): gnomAD exomes below 0.00001; TOPMed below 0.00001; ESP Exome Variant Server 0.00008.
gnomAD v4.1: 5 of 1,602,462 alleles (0.00031%); highest among the groups gnomAD compares: Non-Finnish European, 0.00042%; no homozygotes.

Submission:

Labcorp Genetics (formerly Invitae), Labcorp
Classification: Uncertain significance for Developmental and epileptic encephalopathy, 42; Episodic ataxia type 2. Last evaluated: 2023-12-13. Review status: criteria provided, single submitter. Criteria: Invitae Variant Classification Sherloc (09022015). Collection method: clinical testing. Allele origin: germline.
Comment: This sequence change replaces serine, which is neutral and polar, with asparagine, which is neutral and polar, at codon 780 of the CACNA1A protein (p.Ser780Asn). This variant is not present in population databases (gnomAD no frequency). This variant has not been reported in the literature in individuals affected with CACNA1A-related conditions. Advanced modeling of protein sequence and biophysical properties (such as structural, functional, and spatial information, amino acid conservation, physicochemical variation, residue mobility, and thermodynamic stability) performed at Invitae indicates that this missense variant is not expected to disrupt CACNA1A protein function with a negative predictive value of 95%. In summary, the available evidence is currently insufficient to determine the role of this variant in disease. Therefore, it has been classified as a Variant of Uncertain Significance.

NM_001127222.2(CACNA1A):c.2336G>A (p.Ser779Asn)

Gene: CACNA1A (calcium voltage-gated channel subunit alpha1 A; minus strand). Cytogenetic location: 19p13.13.
Variant type: single nucleotide variant.
Coding change: c.2336G>A on transcript NM_001127222.2 (MANE Select); coding-DNA position 2336, G replaced by A.
Protein change: p.Ser779Asn; replaces serine 779 with asparagine.
Molecular consequence: missense variant.
Genome position (GRCh38, 1-based): chr19:13,299,297, C>T on the plus strand (G>A on the coding strand, the complement: CACNA1A is on the minus strand). VCF-style: chr19-13299297-C-T. GRCh37 (hg19) VCF-style: chr19-13410111-C-T.
Other names: c.2348G>A, p.Ser783Asn (NM_000068.4, NM_023035.3); c.2339G>A, p.Ser780Asn (NM_001127221.2, NM_001174080.2); short protein forms S779N, S783N, S780N.
Identifiers: ClinVar variation 2934734 (VCV002934734.3), dbSNP rs372715067, ClinGen allele CA305506615.
Genomic context (GRCh38, chr19:13,299,297, plus strand): 5'-GGGTCCATTTCGTTATACAGGGCCTCCCGGCTGGCCAGCAAGTTCTGCTTTCGCATCTCA[C>T]TGGTCCGCTGCTCCCACACGGACTTGGCTGGCTTTTGATTCTTCTGTTGCTCTTTCCTGC-3'
Protein context (NP_001120694.1, residues 769-789): PAKSVWEQRT[Ser779Asn]EMRKQNLLAS